The following is an entry in ClinVar:

ClinVar aggregate classification (germline): Benign/Likely benign. Review status: criteria provided, multiple submitters, no conflicts (2 of 4 stars). 5 submissions from 5 submitters: Benign (1); Likely benign (4). Last evaluated 2026-02-01.

Conditions:
Polycystic kidney disease 4 (PKD4). Also called: POLYCYSTIC KIDNEY DISEASE 4 WITH OR WITHOUT POLYCYSTIC LIVER DISEASE; Autosomal Recessive Polycystic Kidney Disease – PKHD1; POLYCYSTIC KIDNEY AND HEPATIC DISEASE 1; POLYCYSTIC KIDNEY DISEASE, INFANTILE, TYPE I; PKD3. Identifiers: MedGen C4540575, MONDO:0033004, OMIM 263200.
Autosomal recessive polycystic kidney disease (ARPKD). Also called: AR polycystic kidney disease. Identifiers: Orphanet 731, Orphanet 8378, MedGen C0085548, MeSH D017044, MONDO:0009889.

Submissions (5):

Labcorp Genetics (formerly Invitae), Labcorp
Classification: Benign for Autosomal recessive polycystic kidney disease. Last evaluated: 2026-02-01. Review status: criteria provided, single submitter. Criteria: Invitae Variant Classification Sherloc (09022015). Collection method: clinical testing. Allele origin: germline.

Mayo Clinic Laboratories, Mayo Clinic
Classification: Likely benign. Last evaluated: 2025-04-29. Review status: criteria provided, single submitter. Criteria: ACMG Guidelines, 2015. Collection method: clinical testing. Allele origin: germline. Observed: 2 variant alleles.
Comment: BP4, BP7

Blueprint Genetics
Classification: Likely benign. Last evaluated: 2024-11-11. Review status: criteria provided, single submitter. Criteria: ACMG Guidelines, 2015. Collection method: clinical testing. Allele origin: germline.

Fulgent Genetics
Classification: Likely benign for Polycystic kidney disease 4. Last evaluated: 2021-08-19. Review status: criteria provided, single submitter. Criteria: ACMG Guidelines, 2015. Collection method: clinical testing. Allele origin: unknown.

Women's Health and Genetics/Laboratory Corporation of America, LabCorp
Classification: Likely benign. Last evaluated: 2021-03-21. Review status: criteria provided, single submitter. Criteria: LabCorp Variant Classification Summary - May 2015. Collection method: clinical testing. Allele origin: germline.
Comment: Variant summary: PKHD1 c.7734-21_7734-20dupTT alters a non-conserved nucleotide located close to a canonical splice site and therefore could affect mRNA splicing, leading to a significantly altered protein sequence. 4/4 computational tools predict no significant impact on normal splicing. However, these predictions have yet to be confirmed by functional studies. The variant allele was found at a frequency of 0.001 in 246858 control chromosomes. This frequency is not significantly higher than expected for a pathogenic variant in PKHD1 causing Polycystic Kidney And Hepatic Disease (0.001 vs 0.0071), allowing no conclusion about variant significance. To our knowledge, no occurrence of c.7734-21_7734-20dupTT in individuals affected with Polycystic Kidney And Hepatic Disease and no experimental evidence demonstrating its impact on protein function have been reported. One locus specific database reports a likely benign outcome. No clinical diagnostic laboratories have submitted clinical-significance assessments for this variant to ClinVar after 2014. Based on the evidence outlined above, the variant was classified as likely benign.

NM_138694.4(PKHD1):c.7734-27_7734-26dup

Gene: PKHD1 (PKHD1 ciliary IPT domain containing fibrocystin/polyductin; minus strand). Cytogenetic location: 6p12.2.
Variant type: Duplication.
Coding change: c.7734-27_7734-26dup on transcript NM_138694.4 (MANE Select); 27 bases into the intron before coding-DNA position 7734 through 26 bases into the intron before coding-DNA position 7734, 2 bases duplicated (TT; older notation c.7734-27_7734-26dupTT).
Molecular consequence: intron variant.
Genome position (GRCh38, 1-based): chr6:51,856,090-51,856,091, AA duplicated on the plus strand (TT on the coding strand, the reverse complement: PKHD1 is on the minus strand); duplicating any 2 consecutive bases within chr6:51,856,090-51,856,097 gives the same sequence; the c. name uses the placement nearest the transcript's 3' end. VCF-style (leftmost placement, unchanged base first): chr6-51856089-G-GAA. GRCh37 (hg19) VCF-style: chr6-51720887-G-GAA.
Other names: p.?; c.7734-27_7734-26dup (NM_170724.3); c.7734-21_7734-20dup (NM_138694.4).
Identifiers: ClinVar variation 1050840 (VCV001050840.12), dbSNP rs201176305, ClinGen allele CA3851850.